The following is an entry in ClinVar:

ClinVar aggregate classification (germline): Uncertain significance. Review status: criteria provided, multiple submitters, no conflicts (2 of 4 stars). 3 submissions from 3 submitters: Uncertain significance (3). Last evaluated 2025-10-02.

Allele frequency attached by ClinVar (database versions not stated): gnomAD 0.00002; TOPMed 0.00002.
gnomAD v4.1: 7 of 1,609,714 alleles (0.00043%); highest among the groups gnomAD compares: African/African-American, 0.0054%; 1 homozygote.

Submissions (3):

Ambry Genetics
Classification: Uncertain significance. Last evaluated: 2025-10-02. Review status: criteria provided, single submitter. Criteria: Ambry Variant Classification Scheme 2023. Collection method: clinical testing. Allele origin: germline.
Comment: The p.V79I variant (also known as c.235G>A), located in coding exon 3 of the RECQL gene, results from a G to A substitution at nucleotide position 235. The valine at codon 79 is replaced by isoleucine, an amino acid with highly similar properties. This amino acid position is well conserved in available vertebrate species. In addition, this alteration is predicted to be tolerated by in silico analysis. Since supporting evidence is limited at this time, the clinical significance of this alteration remains unclear.

Labcorp Genetics (formerly Invitae), Labcorp
Classification: Uncertain significance. Last evaluated: 2022-08-01. Review status: criteria provided, single submitter. Criteria: Invitae Variant Classification Sherloc (09022015). Collection method: clinical testing. Allele origin: germline.
Comment: In summary, the available evidence is currently insufficient to determine the role of this variant in disease. Therefore, it has been classified as a Variant of Uncertain Significance. Algorithms developed to predict the effect of missense changes on protein structure and function output the following: SIFT: "Tolerated"; PolyPhen-2: "Benign"; Align-GVGD: "Class C0". The isoleucine amino acid residue is found in multiple mammalian species, which suggests that this missense change does not adversely affect protein function. ClinVar contains an entry for this variant (Variation ID: 1009186). This variant has not been reported in the literature in individuals affected with RECQL-related conditions. This variant is present in population databases (no rsID available, gnomAD 0.01%). This sequence change replaces valine, which is neutral and non-polar, with isoleucine, which is neutral and non-polar, at codon 79 of the RECQL protein (p.Val79Ile).

GeneDx
Classification: Uncertain significance. Last evaluated: 2020-03-25. Review status: criteria provided, single submitter. Criteria: GeneDx Variant Classification Process June 2021. Collection method: clinical testing. Allele origin: germline. Affected: yes.
Comment: Not observed at a significant frequency in large population cohorts (Lek 2016); In silico analysis supports that this missense variant does not alter protein structure/function; Has not been previously published as pathogenic or benign to our knowledge

NM_002907.4(RECQL):c.235G>A (p.Val79Ile)

Gene: RECQL (RecQ like helicase; minus strand). Cytogenetic location: 12p12.1.
Variant type: single nucleotide variant.
Coding change: c.235G>A on transcript NM_002907.4 (MANE Select); coding-DNA position 235, G replaced by A.
Protein change: p.Val79Ile; replaces valine 79 with isoleucine.
Molecular consequence: missense variant.
Genome position (GRCh38, 1-based): chr12:21,490,358, C>T on the plus strand (G>A on the coding strand, the complement: RECQL is on the minus strand). VCF-style: chr12-21490358-C-T. GRCh37 (hg19) VCF-style: chr12-21643292-C-T.
Other names: c.235G>A, p.Val79Ile (NM_032941.3); short protein forms V79I.
Identifiers: ClinVar variation 1009186 (VCV001009186.14), dbSNP rs1308782847, ClinGen allele CA384133547.